The following is an entry in ClinVar:

NM_144701.3(IL23R):c.1033C>T (p.His345Tyr)

Gene: IL23R (interleukin 23 receptor; plus strand). Cytogenetic location: 1p31.3.
Variant type: single nucleotide variant.
Coding change: c.1033C>T on transcript NM_144701.3 (MANE Select); coding-DNA position 1033, C replaced by T.
Protein change: p.His345Tyr; replaces histidine 345 with tyrosine.
Molecular consequence: missense variant.
Genome position (GRCh38, 1-based): chr1:67,236,790, C>T. VCF-style: chr1-67236790-C-T. GRCh37 (hg19) VCF-style: chr1-67702473-C-T.
Other names: short protein forms H345Y.
Identifiers: ClinVar variation 4810870 (VCV004810870.1).

ClinVar aggregate classification (germline): Uncertain significance (1 of 4 stars; one submission).

Submission:

Labcorp Genetics (formerly Invitae), Labcorp
Classification: Uncertain significance. Last evaluated: 2025-05-30. Review status: criteria provided, single submitter. Criteria: Invitae Variant Classification Sherloc (09022015). Collection method: clinical testing. Allele origin: germline.
Comment: This sequence change replaces histidine, which is basic and polar, with tyrosine, which is neutral and polar, at codon 345 of the IL23R protein (p.His345Tyr). This variant is not present in population databases (gnomAD no frequency). This variant has not been reported in the literature in individuals affected with IL23R-related conditions. An algorithm developed to predict the effect of missense changes on protein structure and function (PolyPhen-2) suggests that this variant is likely to be tolerated. In summary, the available evidence is currently insufficient to determine the role of this variant in disease. Therefore, it has been classified as a Variant of Uncertain Significance.